The following is an entry in ClinVar:

NM_000264.5(PTCH1):c.3983A>C (p.Glu1328Ala)

Gene: PTCH1 (patched 1; minus strand). Cytogenetic location: 9q22.32.
Variant type: single nucleotide variant.
Coding change: c.3983A>C on transcript NM_000264.5 (MANE Select); coding-DNA position 3983, A replaced by C.
Protein change: p.Glu1328Ala; replaces glutamic acid 1328 with alanine.
Molecular consequence: missense variant. On other transcripts: non-coding transcript variant (1).
Genome position (GRCh38, 1-based): chr9:95,447,273, T>G on the plus strand (A>C on the coding strand, the complement: PTCH1 is on the minus strand). VCF-style: chr9-95447273-T-G. GRCh37 (hg19) VCF-style: chr9-98209555-T-G.
Other names: c.3785A>C, p.Glu1262Ala (NM_001083602.3); c.3980A>C, p.Glu1327Ala (NM_001083603.3); c.3530A>C, p.Glu1177Ala (NM_001083604.3, NM_001083605.3, NM_001083606.3 and 1 more transcripts); c.3827A>C, p.Glu1276Ala (NM_001354918.2); short protein forms E1327A, E1328A, E1276A, E1177A, E1262A.
Identifiers: ClinVar variation 1736713 (VCV001736713.3), dbSNP rs2136580101, ClinGen allele CA374110540.
Genomic context (GRCh38, chr9:95,447,273, plus strand): 5'-TTGTGAGAACGGGCCCCGCGAGGGCCCCAGCGGGCCCTATTGCTAGGGCCAGAATGCCCT[T>G]CAGTAGAAATTTCAAAAGCGTCTCTGCGCGGTCTGTAGGGGGGTGGCCACAAGCCTTCTC-3'
Protein context (NP_000255.2, residues 1318-1338): PRRDAFEIST[Glu1328Ala]GHSGPSNRAR

ClinVar aggregate classification (germline): Uncertain significance (1 of 4 stars; one submission).

Conditions:
Hereditary cancer-predisposing syndrome. Also called: Neoplastic Syndromes, Hereditary; Tumor predisposition; Hereditary Cancer Syndrome; Hereditary neoplastic syndrome. Identifiers: Orphanet 140162, MedGen C0027672, MeSH D009386, MONDO:0015356.

Submission:

Ambry Genetics
Classification: Uncertain significance for Hereditary cancer-predisposing syndrome. Last evaluated: 2025-02-26. Review status: criteria provided, single submitter. Criteria: Ambry Variant Classification Scheme 2023. Collection method: clinical testing. Allele origin: germline.
Comment: The p.E1328A variant (also known as c.3983A>C), located in coding exon 23 of the PTCH1 gene, results from an A to C substitution at nucleotide position 3983. The glutamic acid at codon 1328 is replaced by alanine, an amino acid with dissimilar properties. This amino acid position is not well conserved in available vertebrate species. In addition, the in silico prediction for this alteration is inconclusive. Based on the available evidence, the clinical significance of this variant remains unclear.